The following is an entry in ClinVar:

NM_001042492.3(NF1):c.2764G>A (p.Gly922Ser)

Gene: NF1 (neurofibromin 1; plus strand). Cytogenetic location: 17q11.2.
Variant type: single nucleotide variant.
Coding change: c.2764G>A on transcript NM_001042492.3 (MANE Select); coding-DNA position 2764, G replaced by A.
Protein change: p.Gly922Ser; replaces glycine 922 with serine.
Molecular consequence: missense variant.
Genome position (GRCh38, 1-based): chr17:31,229,379, G>A. VCF-style: chr17-31229379-G-A. GRCh37 (hg19) VCF-style: chr17-29556397-G-A.
Other names: c.2764G>A, p.Gly922Ser (NM_000267.4); short protein forms G922S.
Identifiers: ClinVar variation 431608 (VCV000431608.11), dbSNP rs1135402831, ClinGen allele CA501154.

ClinVar aggregate classification (germline): Pathogenic/Likely pathogenic. Review status: criteria provided, multiple submitters, no conflicts (2 of 4 stars). 6 submissions from 6 submitters: Pathogenic (3); Likely pathogenic (2). 1 of the submissions does not count toward it. Last evaluated 2026-08-17.

Conditions:
Neurofibromatosis, type 1 (NF1). Also called: VON RECKLINGHAUSEN DISEASE; Neurofibromatosis, type I; Peripheral type neurofibromatosis; NEUROFIBROMATOSIS, TYPE I, SOMATIC. Identifiers: Orphanet 636, MedGen C0027831, MONDO:0018975, OMIM 162200. Disease mechanism: loss of function.
Hereditary cancer-predisposing syndrome. Also called: Neoplastic Syndromes, Hereditary; Hereditary neoplastic syndrome; Hereditary Cancer Syndrome; Tumor predisposition. Identifiers: Orphanet 140162, MedGen C0027672, MeSH D009386, MONDO:0015356.
Cardiovascular phenotype. Identifiers: MedGen CN230736.

Submissions (6):

Ambry Genetics
Classification: Pathogenic for Cardiovascular phenotype; Hereditary cancer-predisposing syndrome. Last evaluated: 2026-08-17. Review status: criteria provided, single submitter. Criteria: Ambry Variant Classification Scheme 2023. Collection method: clinical testing. Allele origin: germline.
Comment: The p.G922S pathogenic mutation (also known as c.2764G>A), located in coding exon 21 of the NF1 gene, results from a G to A substitution at nucleotide position 2764. The glycine at codon 922 is replaced by serine, an amino acid with similar properties. In silico splice site analysis predicts that this alteration may result in the creation or strengthening of a novel splice donor site. A splicing assay demonstrated that this variant leads to a partial in-frame deletion of CDS21 (Ars E et al. Hum Mol Genet, 2000 Jan;9:237-47; Ars E et al. J Med Genet, 2003 Jun;40:e82; Pros E et al. Hum Mutat, 2008 Sep;29:E173-93). RNA studies have demonstrated that this variant results in abnormal splicing in the set of samples tested (Ambry internal data). This variant has been observed in multiple individuals with a personal and/or family history that is consistent with Neurofibromatosis type 1 (Bonatti F et al. Int J Mol Sci, 2017 Sep;18:;Yoshida Y et al. J Dermatol, 2018 Mar;45:363-364; Ars E et al. Hum Mol Genet, 2000 Jan;9:237-47; Ambry internal data). This amino acid position is highly conserved in available vertebrate species. This variant is considered to be rare based on population cohorts in the Genome Aggregation Database (gnomAD). Based on the supporting evidence, this variant is interpreted as a disease-causing mutation.

Labcorp Genetics (formerly Invitae), Labcorp
Classification: Pathogenic for Neurofibromatosis, type 1. Last evaluated: 2025-07-10. Review status: criteria provided, single submitter. Criteria: Invitae Variant Classification Sherloc (09022015). Collection method: clinical testing. Allele origin: germline.
Comment: This sequence change replaces glycine, which is neutral and non-polar, with serine, which is neutral and polar, at codon 922 of the NF1 protein (p.Gly922Ser). This variant is not present in population databases (gnomAD no frequency). This missense change has been observed in individual(s) with neurofibromatosis type 1 (PMID: 10607834, 28961165). ClinVar contains an entry for this variant (Variation ID: 431608). Invitae Evidence Modeling of protein sequence and biophysical properties (such as structural, functional, and spatial information, amino acid conservation, physicochemical variation, residue mobility, and thermodynamic stability) indicates that this missense variant is expected to disrupt NF1 protein function with a positive predictive value of 95%. For these reasons, this variant has been classified as Pathogenic.

GeneDx
Classification: Pathogenic. Last evaluated: 2025-03-25. Review status: criteria provided, single submitter. Criteria: GeneDx Variant Classification Process June 2021. Collection method: clinical testing. Allele origin: germline. Affected: yes.
Comment: RNA studies demonstrate a damaging effect: a type II splice variant with creation of a new 5'/3' splice site within exons without abolishing the authentic one, resulting in full length and out of frame product (PMID: 18546366); Not observed at significant frequency in large population cohorts (gnomAD); In silico analysis supports that this missense variant has a deleterious effect on protein structure/function; This variant is associated with the following publications: (PMID: 28961165, 28955729, 12807981, 10607834, 29498099, 18546366, 2121369, 25486365)

Genome-Nilou Lab
Classification: Likely pathogenic for Neurofibromatosis, type 1. Last evaluated: 2022-03-15. Review status: criteria provided, single submitter. Criteria: ACMG Guidelines, 2015. Collection method: clinical testing. Allele origin: germline. Affected: no.

Women's Health and Genetics/Laboratory Corporation of America, LabCorp
Classification: Likely pathogenic for Neurofibromatosis, type 1. Last evaluated: 2021-01-28. Review status: criteria provided, single submitter. Criteria: LabCorp Variant Classification Summary - May 2015. Collection method: clinical testing. Allele origin: germline.
Comment: Variant summary: NF1 c.2764G>A (p.Gly922Ser) results in a non-conservative amino acid change in the encoded protein sequence. Three of five in-silico tools predict a damaging effect of the variant on protein function. Several computational tools predict a significant impact on normal splicing: Four predict the variant strengthens a cryptic exonic 5' splice donor site. At least one publication reports experimental evidence that this variant affects mRNA splicing (Ars_2003). The variant was absent in 251090 control chromosomes. c.2764G>A has been reported in the literature in at-least two individuals affected with some but not all diagnostic features of Neurofibromatosis Type 1 as well as in at-least one individual with a suspected diagnosis of Neurofibromatosis type 1 and also subsequently cited by others (example, Ars_2003, Pros_2008, Anastaski_2017, Bonatti_2017, Yoshida_2018). These data indicate that the variant may be associated with disease. One clinical diagnostic laboratory has submitted clinical-significance assessments for this variant to ClinVar after 2014 without evidence for independent evalution and classified the variant as uncertain significance. Based on the evidence outlined above, the variant was classified as likely pathogenic.

Medical Genetics, University of Parma
Classification: Uncertain significance for Neurofibromatosis type 1. Last evaluated: 2017-02-02. Review status: no assertion criteria provided. Collection method: clinical testing. Allele origin: germline. Affected: yes. Not counted in ClinVar's aggregate classification.

Literature cited by the submitters: PubMed 10607834 (cited by Ambry Genetics and Labcorp Genetics (formerly Invitae), Labcorp); PubMed 12807981 (cited by Ambry Genetics and Women's Health and Genetics/Laboratory Corporation of America, LabCorp); PubMed 18546366 (cited by Ambry Genetics and Women's Health and Genetics/Laboratory Corporation of America, LabCorp); PubMed 28961165 (cited by 3 submitters); PubMed 29498099 (cited by Ambry Genetics and Women's Health and Genetics/Laboratory Corporation of America, LabCorp); PubMed 28955729 (cited by Women's Health and Genetics/Laboratory Corporation of America, LabCorp).